The following is an entry in ClinVar:

ClinVar aggregate classification (germline): Uncertain significance (1 of 4 stars; one submission).

Allele frequency attached by ClinVar (database versions not stated): gnomAD exomes below 0.00001 and 0.00001; ExAC 0.00001.
gnomAD v4.1: 6 of 1,614,046 alleles (0.00037%); highest among the groups gnomAD compares: Non-Finnish European, 0.00025%; no homozygotes.

Submission:

Labcorp Genetics (formerly Invitae), Labcorp
Classification: Uncertain significance. Last evaluated: 2025-03-17. Review status: criteria provided, single submitter. Criteria: Invitae Variant Classification Sherloc (09022015). Collection method: clinical testing. Allele origin: germline.
Comment: This sequence change replaces phenylalanine, which is neutral and non-polar, with leucine, which is neutral and non-polar, at codon 189 of the CLRN1 protein (p.Phe189Leu). This variant is present in population databases (rs765666363, gnomAD 0.003%). This variant has not been reported in the literature in individuals affected with CLRN1-related conditions. ClinVar contains an entry for this variant (Variation ID: 1430264). An algorithm developed to predict the effect of missense changes on protein structure and function (PolyPhen-2) suggests that this variant is likely to be disruptive. In summary, the available evidence is currently insufficient to determine the role of this variant in disease. Therefore, it has been classified as a Variant of Uncertain Significance.

NM_174878.3(CLRN1):c.565T>C (p.Phe189Leu)

Gene: CLRN1 (clarin 1; minus strand). Cytogenetic location: 3q25.1.
Variant type: single nucleotide variant.
Coding change: c.565T>C on transcript NM_174878.3 (MANE Select); coding-DNA position 565, T replaced by C.
Protein change: p.Phe189Leu; replaces phenylalanine 189 with leucine.
Molecular consequence: missense variant. On other transcripts: 3 prime UTR variant (1), non-coding transcript variant (1).
Genome position (GRCh38, 1-based): chr3:150,928,070, A>G on the plus strand (T>C on the coding strand, the complement: CLRN1 is on the minus strand). VCF-style: chr3-150928070-A-G. GRCh37 (hg19) VCF-style: chr3-150645857-A-G.
Other names: c.604T>C, p.Phe202Leu (NM_001195794.1); c.*179T>C (NM_001256819.2); c.337T>C, p.Phe113Leu (NM_052995.2); short protein forms F113L, F202L, F189L.
Identifiers: ClinVar variation 1430264 (VCV001430264.5), dbSNP rs765666363, ClinGen allele CA2666013.